The following is an entry in ClinVar:

NM_002025.4(AFF2):c.1790G>A (p.Arg597His)

Gene: AFF2 (ALF transcription elongation factor 2; plus strand). Cytogenetic location: Xq28.
Variant type: single nucleotide variant.
Coding change: c.1790G>A on transcript NM_002025.4 (MANE Select); coding-DNA position 1790, G replaced by A.
Protein change: p.Arg597His; replaces arginine 597 with histidine.
Molecular consequence: missense variant.
Genome position (GRCh38, 1-based): chrX:148,955,835, G>A. VCF-style: chrX-148955835-G-A. GRCh37 (hg19) VCF-style: chrX-148037365-G-A.
Other names: c.1691G>A, p.Arg564His (NM_001169122.2); c.1760G>A, p.Arg587His (NM_001169123.2); c.1685G>A, p.Arg562His (NM_001169124.2); c.1673G>A, p.Arg558His (NM_001169125.2); c.713G>A, p.Arg238His (NM_001170628.1); short protein forms R238H, R558H, R562H, R564H, R587H, R597H.
Identifiers: ClinVar variation 4084482 (VCV004084482.8).
Genomic context (GRCh38, chrX:148,955,835, plus strand): 5'-GTCAGGTCCCAGCTGAACCCAAAGAAAGGCCTCTCCTCAGTCTCATTAGGGAGAAAGCCC[G>A]TCCACGGCCCACTCAGAAAATTCCAGAAACAAAGGCTTTGAAGCATAAGTTGTCAACAAC-3'
Protein context (NP_002016.2, residues 587-607): PLLSLIREKA[Arg597His]PRPTQKIPET

ClinVar aggregate classification (germline): Likely benign (1 of 4 stars; one submission).

Submission:

CeGaT Center for Human Genetics Tuebingen
Classification: Likely benign. Last evaluated: 2025-07-01. Review status: criteria provided, single submitter. Criteria: CeGaT Center For Human Genetics Tuebingen Variant Classification Criteria Version 2. Collection method: clinical testing. Allele origin: germline. Affected: yes. Observed: 1 variant allele.
Comment: AFF2: BP4, BS2